The following is an entry in ClinVar:

ClinVar aggregate classification (germline): Uncertain significance. Review status: criteria provided, multiple submitters, no conflicts (2 of 4 stars). 4 submissions from 4 submitters: Uncertain significance (4). Last evaluated 2025-09-01.

Conditions:
Bardet-Biedl syndrome (BBS). Identifiers: Orphanet 110, MedGen C0752166, MONDO:0015229.
Inborn genetic diseases. Identifiers: MedGen C0950123, MeSH D030342.
Bardet-Biedl syndrome 7 (BBS7). Identifiers: Orphanet 110, MedGen C1859565, MONDO:0014435, OMIM 615984.

Allele frequency attached by ClinVar (database versions not stated): ExAC 0.00001; gnomAD exomes 0.00001.
gnomAD v4.1: 10 of 1,613,956 alleles (0.00062%); highest among the groups gnomAD compares: Non-Finnish European, 0.00085%; no homozygotes.

Submissions (4):

Ambry Genetics
Classification: Uncertain significance for Inborn genetic diseases. Last evaluated: 2025-09-01. Review status: criteria provided, single submitter. Criteria: Ambry Variant Classification Scheme 2023. Collection method: clinical testing. Allele origin: germline.

Labcorp Genetics (formerly Invitae), Labcorp
Classification: Uncertain significance for Bardet-Biedl syndrome. Last evaluated: 2024-11-11. Review status: criteria provided, single submitter. Criteria: Invitae Variant Classification Sherloc (09022015). Collection method: clinical testing. Allele origin: germline.
Comment: This sequence change replaces methionine, which is neutral and non-polar, with threonine, which is neutral and polar, at codon 506 of the BBS7 protein (p.Met506Thr). This variant is present in population databases (rs200788672, gnomAD 0.002%). This variant has not been reported in the literature in individuals affected with BBS7-related conditions. ClinVar contains an entry for this variant (Variation ID: 958348). Invitae Evidence Modeling of protein sequence and biophysical properties (such as structural, functional, and spatial information, amino acid conservation, physicochemical variation, residue mobility, and thermodynamic stability) indicates that this missense variant is not expected to disrupt BBS7 protein function with a negative predictive value of 80%. In summary, the available evidence is currently insufficient to determine the role of this variant in disease. Therefore, it has been classified as a Variant of Uncertain Significance.

Blueprint Genetics
Classification: Uncertain significance. Last evaluated: 2024-09-25. Review status: criteria provided, single submitter. Criteria: ACMG Guidelines, 2015. Collection method: clinical testing. Allele origin: germline.

Fulgent Genetics
Classification: Uncertain significance for Bardet-Biedl syndrome 7. Last evaluated: 2022-02-24. Review status: criteria provided, single submitter. Criteria: ACMG Guidelines, 2015. Collection method: clinical testing. Allele origin: unknown.

NM_176824.3(BBS7):c.1517T>C (p.Met506Thr)

Gene: BBS7 (Bardet-Biedl syndrome 7; minus strand). Cytogenetic location: 4q27.
Variant type: single nucleotide variant.
Coding change: c.1517T>C on transcript NM_176824.3 (MANE Select); coding-DNA position 1517, T replaced by C.
Protein change: p.Met506Thr; replaces methionine 506 with threonine.
Molecular consequence: missense variant.
Genome position (GRCh38, 1-based): chr4:121,833,390, A>G on the plus strand (T>C on the coding strand, the complement: BBS7 is on the minus strand). VCF-style: chr4-121833390-A-G. GRCh37 (hg19) VCF-style: chr4-122754545-A-G.
Other names: c.1517T>C, p.Met506Thr (NM_018190.4); short protein forms M506T.
Identifiers: ClinVar variation 958348 (VCV000958348.9), dbSNP rs200788672, ClinGen allele CA3064189.